The following is an entry in ClinVar:

NM_000138.5(FBN1):c.8497A>G (p.Ser2833Gly)

Gene: FBN1 (fibrillin 1; minus strand). Cytogenetic location: 15q21.1.
Variant type: single nucleotide variant.
Coding change: c.8497A>G on transcript NM_000138.5 (MANE Select); coding-DNA position 8497, A replaced by G.
Protein change: p.Ser2833Gly; replaces serine 2833 with glycine.
Molecular consequence: missense variant.
Genome position (GRCh38, 1-based): chr15:48,411,109, T>C on the plus strand (A>G on the coding strand, the complement: FBN1 is on the minus strand). VCF-style: chr15-48411109-T-C. GRCh37 (hg19) VCF-style: chr15-48703306-T-C.
Other names: c.8497A>G, p.Ser2833Gly (NM_001406716.1); short protein forms S2833G.
Identifiers: ClinVar variation 1928415 (VCV001928415.5), dbSNP rs2505370758, ClinGen allele CA392318798.

ClinVar aggregate classification (germline): Uncertain significance (1 of 4 stars; one submission).

Conditions:
Familial thoracic aortic aneurysm and aortic dissection (TAAD). Also called: Thoracic aortic aneurysms and dissections. Identifiers: Orphanet 91387, MedGen C4707243, MONDO:0019625.
Marfan syndrome (MFS). Also called: MARFAN SYNDROME, TYPE I; Marfan syndrome type 1; Marfan's syndrome; Marfan syndrome, classic; FBN1-Related Marfan Syndrome. Identifiers: Orphanet 284963, Orphanet 558, MedGen C0024796, MONDO:0007947, OMIM 154700.

Submission:

Labcorp Genetics (formerly Invitae), Labcorp
Classification: Uncertain significance for Marfan syndrome; Familial thoracic aortic aneurysm and aortic dissection. Last evaluated: 2022-06-29. Review status: criteria provided, single submitter. Criteria: Invitae Variant Classification Sherloc (09022015). Collection method: clinical testing. Allele origin: germline.
Comment: In summary, the available evidence is currently insufficient to determine the role of this variant in disease. Therefore, it has been classified as a Variant of Uncertain Significance. Algorithms developed to predict the effect of missense changes on protein structure and function are either unavailable or do not agree on the potential impact of this missense change (SIFT: "Deleterious"; PolyPhen-2: "Possibly Damaging"; Align-GVGD: "Class C0"). This variant has not been reported in the literature in individuals affected with FBN1-related conditions. This variant is not present in population databases (gnomAD no frequency). This sequence change replaces serine, which is neutral and polar, with glycine, which is neutral and non-polar, at codon 2833 of the FBN1 protein (p.Ser2833Gly).